The following is an entry in ClinVar:

NM_025074.7(FRAS1):c.5627C>T (p.Ala1876Val)

Gene: FRAS1 (Fraser extracellular matrix complex subunit 1; plus strand). Cytogenetic location: 4q21.21.
Variant type: single nucleotide variant.
Coding change: c.5627C>T on transcript NM_025074.7 (MANE Select); coding-DNA position 5627, C replaced by T.
Protein change: p.Ala1876Val; replaces alanine 1876 with valine.
Molecular consequence: missense variant.
Genome position (GRCh38, 1-based): chr4:78,441,259, C>T. VCF-style: chr4-78441259-C-T. GRCh37 (hg19) VCF-style: chr4-79362413-C-T.
Other names: c.5627C>T, p.Ala1876Val (NM_001166133.2); short protein forms A1876V.
Identifiers: ClinVar variation 3591033 (VCV003591033.3).

ClinVar aggregate classification (germline): Uncertain significance. Review status: criteria provided, multiple submitters, no conflicts (2 of 4 stars). 2 submissions from 2 submitters: Uncertain significance (2). Last evaluated 2024-03-28.

Conditions:
Fraser syndrome 1 (FRASRS1). Also called: CRYPTOPHTHALMOS WITH OTHER MALFORMATIONS. Identifiers: Orphanet 2052, MedGen C4551480, MONDO:0054737, OMIM 219000.

gnomAD v4.1: 102 of 1,613,358 alleles (0.0063%); highest among the groups gnomAD compares: Non-Finnish European, 0.0086%; no homozygotes.

Submissions (2):

Fulgent Genetics
Classification: Uncertain significance for Fraser syndrome 1. Last evaluated: 2024-03-28. Review status: criteria provided, single submitter. Criteria: ACMG Guidelines, 2015. Collection method: clinical testing. Allele origin: germline.

Labcorp Genetics (formerly Invitae), Labcorp
Classification: Uncertain significance. Last evaluated: 2024-01-29. Review status: criteria provided, single submitter. Criteria: Invitae Variant Classification Sherloc (09022015). Collection method: clinical testing. Allele origin: germline.
Comment: This sequence change replaces alanine, which is neutral and non-polar, with valine, which is neutral and non-polar, at codon 1876 of the FRAS1 protein (p.Ala1876Val). This variant is not present in population databases (gnomAD no frequency). This variant has not been reported in the literature in individuals affected with FRAS1-related conditions. Advanced modeling of protein sequence and biophysical properties (such as structural, functional, and spatial information, amino acid conservation, physicochemical variation, residue mobility, and thermodynamic stability) performed at Invitae indicates that this missense variant is not expected to disrupt FRAS1 protein function with a negative predictive value of 80%. In summary, the available evidence is currently insufficient to determine the role of this variant in disease. Therefore, it has been classified as a Variant of Uncertain Significance.